The following is an entry in ClinVar:

ClinVar aggregate classification (germline): Benign (1 of 4 stars; one submission).

Allele frequency attached by ClinVar (database versions not stated): gnomAD 0.36607; TOPMed 0.37199; 1000 Genomes Project 0.35044; 1000 Genomes Project 30x 0.35197.
gnomAD v4.1: 348,212 of 1,075,532 alleles (32%); highest among the groups gnomAD compares: African/African-American, 53%; 59,182 homozygotes.

Submission:

Unidad de Genómica Garrahan, Hospital de Pediatría Garrahan
Classification: Benign. Last evaluated: 2024-01-24. Review status: criteria provided, single submitter. Criteria: ACMG Guidelines, 2015. Collection method: clinical testing. Allele origin: germline. Affected: no. Observed: 25 variant alleles.
Comment: This variant is classified as Benign based on local population frequency. This variant was detected in 26% of patients studied by a panel of primary immunodeficiencies. Number of patients: 25. Only high quality variants are reported.

NM_002872.5(RAC2):c.226-111T>C

Gene: RAC2 (Rac family small GTPase 2; minus strand). Cytogenetic location: 22q13.1.
Variant type: single nucleotide variant.
Coding change: c.226-111T>C on transcript NM_002872.5 (MANE Select); 111 bases into the intron before coding-DNA position 226, T replaced by C.
Molecular consequence: intron variant.
Genome position (GRCh38, 1-based): chr22:37,232,105, A>G on the plus strand (T>C on the coding strand, the complement: RAC2 is on the minus strand). VCF-style: chr22-37232105-A-G. GRCh37 (hg19) VCF-style: chr22-37628145-A-G.
Identifiers: ClinVar variation 2688287 (VCV002688287.2), dbSNP rs2285110, ClinGen allele CA14926659.
Genomic context (GRCh38, chr22:37,232,105, plus strand): 5'-CACCATGGCAGCCACCGAGAGGTGGAGCTTGGGGCTCCCTGAGGGTGGAACACCCCAGGG[A>G]ATGCTGGGGACTTAGGATCTGGGCAGAGCAGAGATACCCTTCTCGCCTCTACCACGAGGC-3'